The following is an entry in ClinVar:

ClinVar aggregate classification (germline): Uncertain significance. Review status: criteria provided, multiple submitters, no conflicts (2 of 4 stars). 2 submissions from 2 submitters: Uncertain significance (2). Last evaluated 2022-06-05.

Conditions:
Inborn genetic diseases. Identifiers: MedGen C0950123, MeSH D030342.

Allele frequency attached by ClinVar (database versions not stated): TOPMed below 0.00001; ExAC 0.00001; gnomAD 0.00001; gnomAD exomes 0.00001; ESP Exome Variant Server 0.00008.
gnomAD v4.1: 19 of 1,613,906 alleles (0.0012%); highest among the groups gnomAD compares: Non-Finnish European, 0.0015%; no homozygotes.

Submissions (2):

Labcorp Genetics (formerly Invitae), Labcorp
Classification: Uncertain significance. Last evaluated: 2022-06-05. Review status: criteria provided, single submitter. Criteria: Invitae Variant Classification Sherloc (09022015). Collection method: clinical testing. Allele origin: germline.
Comment: In summary, the available evidence is currently insufficient to determine the role of this variant in disease. Therefore, it has been classified as a Variant of Uncertain Significance. Algorithms developed to predict the effect of missense changes on protein structure and function output the following: SIFT: "Tolerated"; PolyPhen-2: "Benign"; Align-GVGD: "Class C0". The arginine amino acid residue is found in multiple mammalian species, which suggests that this missense change does not adversely affect protein function. This variant has not been reported in the literature in individuals affected with ATR-related conditions. This variant is not present in population databases (gnomAD no frequency). This sequence change replaces serine, which is neutral and polar, with arginine, which is basic and polar, at codon 250 of the ATR protein (p.Ser250Arg).

Ambry Genetics
Classification: Uncertain significance for Inborn genetic diseases. Last evaluated: 2021-10-30. Review status: criteria provided, single submitter. Criteria: Ambry Variant Classification Scheme 2023. Collection method: clinical testing. Allele origin: germline.
Comment: The p.S250R variant (also known as c.750C>G), located in coding exon 4 of the ATR gene, results from a C to G substitution at nucleotide position 750. The serine at codon 250 is replaced by arginine, an amino acid with dissimilar properties. This amino acid position is conserved. In addition, this alteration is predicted to be tolerated by in silico analysis. Since supporting evidence is limited at this time, the clinical significance of this alteration remains unclear.

NM_001184.4(ATR):c.750C>G (p.Ser250Arg)

Gene: ATR (ATR checkpoint kinase; minus strand). Cytogenetic location: 3q23.
Variant type: single nucleotide variant.
Coding change: c.750C>G on transcript NM_001184.4 (MANE Select); coding-DNA position 750, C replaced by G.
Protein change: p.Ser250Arg; replaces serine 250 with arginine.
Molecular consequence: missense variant.
Genome position (GRCh38, 1-based): chr3:142,562,652, G>C on the plus strand (C>G on the coding strand, the complement: ATR is on the minus strand). VCF-style: chr3-142562652-G-C. GRCh37 (hg19) VCF-style: chr3-142281494-G-C.
Other names: c.750C>G, p.Ser250Arg (NM_001354579.2); short protein forms S250R.
Identifiers: ClinVar variation 1759249 (VCV001759249.7), dbSNP rs148033779, ClinGen allele CA2650728.